The following is an entry in ClinVar:

ClinVar aggregate classification (germline): Uncertain significance (1 of 4 stars; one submission).

Conditions:
Bardet-Biedl syndrome (BBS). Identifiers: Orphanet 110, MedGen C0752166, MONDO:0015229.

Allele frequency attached by ClinVar (database versions not stated): gnomAD exomes below 0.00001; TOPMed below 0.00001.
gnomAD v4.1: 1 of 1,613,894 alleles (0.000062%); highest among the groups gnomAD compares: Non-Finnish European, 0.000085%; no homozygotes.

Submission:

Labcorp Genetics (formerly Invitae), Labcorp
Classification: Uncertain significance for Bardet-Biedl syndrome. Last evaluated: 2022-11-15. Review status: criteria provided, single submitter. Criteria: Invitae Variant Classification Sherloc (09022015). Collection method: clinical testing. Allele origin: germline.
Comment: Advanced modeling of protein sequence and biophysical properties (such as structural, functional, and spatial information, amino acid conservation, physicochemical variation, residue mobility, and thermodynamic stability) performed at Invitae indicates that this missense variant is expected to disrupt BBS9 protein function. In summary, the available evidence is currently insufficient to determine the role of this variant in disease. Therefore, it has been classified as a Variant of Uncertain Significance. This sequence change replaces proline, which is neutral and non-polar, with leucine, which is neutral and non-polar, at codon 183 of the BBS9 protein (p.Pro183Leu). This variant has not been reported in the literature in individuals affected with BBS9-related conditions. This variant is not present in population databases (gnomAD no frequency).

NM_198428.3(BBS9):c.548C>T (p.Pro183Leu)

Gene: BBS9 (Bardet-Biedl syndrome 9; plus strand). Cytogenetic location: 7p14.3.
Variant type: single nucleotide variant.
Coding change: c.548C>T on transcript NM_198428.3 (MANE Select); coding-DNA position 548, C replaced by T.
Protein change: p.Pro183Leu; replaces proline 183 with leucine.
Molecular consequence: missense variant. On other transcripts: non-coding transcript variant (3).
Genome position (GRCh38, 1-based): chr7:33,257,341, C>T. VCF-style: chr7-33257341-C-T. GRCh37 (hg19) VCF-style: chr7-33296953-C-T.
Other names: c.548C>T, p.Pro183Leu (NM_001033604.2, NM_001033605.2, NM_001348036.1 and 7 more transcripts); c.182C>T, p.Pro61Leu (NM_001348037.3, NM_001348044.3, NM_001348045.3 and 1 more transcripts); c.275C>T, p.Pro92Leu (NM_001348038.3, NM_001348039.3); c.413C>T, p.Pro138Leu (NM_001348042.3); short protein forms P92L, P138L, P183L, P61L.
Identifiers: ClinVar variation 1957202 (VCV001957202.5), dbSNP rs1295694044, ClinGen allele CA367252908.